The following is an entry in ClinVar:

NM_014026.6(DCPS):c.856G>T (p.Glu286Ter)

Genes: DCPS (decapping enzyme, scavenger; plus strand), GSEC (G-quadruplex forming sequence containing lncRNA; minus strand). Cytogenetic location: 11q24.2.
Variant type: single nucleotide variant.
Coding change: c.856G>T on transcript NM_014026.6 (MANE Select); coding-DNA position 856, G replaced by T.
Protein change: p.Glu286Ter; replaces glutamic acid 286 with a stop codon.
Molecular consequence: nonsense.
Genome position (GRCh38, 1-based): chr11:126,345,455, G>T. VCF-style: chr11-126345455-G-T. GRCh37 (hg19) VCF-style: chr11-126215350-G-T.
Other names: c.877G>T, p.Glu293Ter (NM_001350236.2); c.856G>T (NM_014026.4); short protein forms E286*, E293*.
Identifiers: ClinVar variation 2445957 (VCV002445957.1), dbSNP rs768872827, ClinGen allele CA383221116.
Genomic context (GRCh38, chr11:126,345,455, plus strand): 5'-TACCTGCACTACCTGCCCTCCTACTACCACCTGCATGTGCACTTCACCGCCCTGGGCTTC[G>T]AGGCCCCCGGCTCAGGCGTGGAGCGGGCCCACCTGCTGGCTGAGGTGATCGAGAACTTGG-3'

ClinVar aggregate classification (germline): Likely pathogenic (1 of 4 stars; one submission).

Conditions:
Al-Raqad syndrome. Identifiers: MedGen C4085595, MONDO:0014648, OMIM 616459.

Allele frequency attached by ClinVar (database versions not stated): TOPMed 0.00003.
gnomAD v4.1: 15 of 1,614,024 alleles (0.00093%); highest among the groups gnomAD compares: Admixed American, 0.0017%; no homozygotes.

Submission:

Women's Health and Genetics/Laboratory Corporation of America, LabCorp
Classification: Likely pathogenic for Al-Raqad syndrome. Last evaluated: 2023-02-24. Review status: criteria provided, single submitter. Criteria: LabCorp Variant Classification Summary - May 2015. Collection method: clinical testing. Allele origin: germline.
Comment: Variant summary: DCPS c.856G>T (p.Glu286X) results in a premature termination codon, predicted to cause a truncation of the encoded protein or absence of the protein due to nonsense mediated decay, which are commonly known mechanisms for disease. Missense variants downstream of this position (p.Glu306Asp, p.Thr316Met) have been observed in affected individuals (PMIDs: 25701870, 32770650) and are classified as pathogenic and disease-assocated in online databases (ClinVar, HGMD, LOVD), indicating this region is important for protein function. The variant allele was found at a frequency of 8e-06 in 251338 control chromosomes (gnomAD). To our knowledge, no occurrence of c.856G>T in individuals affected with Al-Raqad Syndrome and no experimental evidence demonstrating its impact on protein function have been reported. No clinical diagnostic laboratories have submitted clinical-significance assessments for this variant to ClinVar after 2014. Based on the evidence outlined above, the variant was classified as likely pathogenic.